The following is an entry in ClinVar:

ClinVar aggregate classification (germline): Uncertain significance (1 of 4 stars; one submission).

Allele frequency attached by ClinVar (database versions not stated): gnomAD 0.00001 and 0.00002; gnomAD exomes 0.00002; TOPMed 0.00002.
gnomAD v4.1: 26 of 1,613,856 alleles (0.0016%); highest among the groups gnomAD compares: Middle Eastern, 0.017%; no homozygotes.

Submission:

Labcorp Genetics (formerly Invitae), Labcorp
Classification: Uncertain significance. Last evaluated: 2022-07-19. Review status: criteria provided, single submitter. Criteria: Invitae Variant Classification Sherloc (09022015). Collection method: clinical testing. Allele origin: germline.
Comment: This sequence change replaces valine, which is neutral and non-polar, with isoleucine, which is neutral and non-polar, at codon 4904 of the PCLO protein (p.Val4904Ile). This variant is present in population databases (no rsID available, gnomAD 0.01%). This variant has not been reported in the literature in individuals affected with PCLO-related conditions. ClinVar contains an entry for this variant (Variation ID: 1424655). Algorithms developed to predict the effect of missense changes on protein structure and function are either unavailable or do not agree on the potential impact of this missense change (SIFT: "Deleterious"; PolyPhen-2: "Not Available"; Align-GVGD: "Class C0"). In summary, the available evidence is currently insufficient to determine the role of this variant in disease. Therefore, it has been classified as a Variant of Uncertain Significance.

NM_033026.6(PCLO):c.14710G>A (p.Val4904Ile)

Gene: PCLO (piccolo presynaptic cytomatrix protein; minus strand). Cytogenetic location: 7q21.11.
Variant type: single nucleotide variant.
Coding change: c.14710G>A on transcript NM_033026.6 (MANE Select); coding-DNA position 14710, G replaced by A.
Protein change: p.Val4904Ile; replaces valine 4904 with isoleucine.
Molecular consequence: missense variant.
Genome position (GRCh38, 1-based): chr7:82,822,576, C>T on the plus strand (G>A on the coding strand, the complement: PCLO is on the minus strand). VCF-style: chr7-82822576-C-T. GRCh37 (hg19) VCF-style: chr7-82451892-C-T.
Other names: c.14710G>A, p.Val4904Ile (NM_014510.3); short protein forms V4904I.
Identifiers: ClinVar variation 1424655 (VCV001424655.3), dbSNP rs995469318, ClinGen allele CA161693285.